The following is an entry in ClinVar:

ClinVar aggregate classification (germline): Likely pathogenic (1 of 4 stars; one submission).

Conditions:
Autosomal recessive early-onset Parkinson disease 23. Identifiers: Orphanet 2828, MedGen C4225186, MONDO:0014796, OMIM 616840.

Submission:

Juno Genomics, Hangzhou Juno Genomics, Inc
Classification: Likely pathogenic for Autosomal recessive early-onset Parkinson disease 23. Review status: criteria provided, single submitter. Criteria: ACMG Guidelines, 2015. Collection method: clinical testing. Allele origin: germline. Affected: yes.
Comment: Absent from controls (or at extremely low frequency if recessive) in Genome Aggregation Database, Exome Sequencing Project, 1000 Genomes Project, or Exome Aggregation Consortium.;Null variant in a gene where loss of function (LOF) is a known mechanism of disease.

NM_020821.3(VPS13C):c.6726del (p.Lys2242fs)

Gene: VPS13C (vacuolar protein sorting 13 homolog C; minus strand). Cytogenetic location: 15q22.2.
Variant type: Deletion.
Coding change: c.6726del on transcript NM_020821.3 (MANE Select); coding-DNA position 6726, one base deleted (A; older notation c.6726delA).
Protein change: p.Lys2242fs; shifts the reading frame from lysine 2242.
Molecular consequence: frameshift variant.
Genome position (GRCh38, 1-based): chr15:61,922,646, T deleted on the plus strand (A on the coding strand, the reverse complement: VPS13C is on the minus strand); the first of 3 consecutive T bases (chr15:61,922,646-61,922,648); deleting any one gives the same sequence. VCF-style (leftmost placement, unchanged base first): chr15-61922645-AT-A. GRCh37 (hg19) VCF-style: chr15-62214844-AT-A.
Other names: c.6726del, p.Lys2242fs (NM_001018088.3); c.6597del, p.Lys2199fs (NM_017684.5, NM_018080.4); short protein forms K2199fs, K2242fs.
Identifiers: ClinVar variation 3382142 (VCV003382142.2).